The following is an entry in ClinVar:

NM_018297.4(NGLY1):c.1235A>T (p.Asp412Val)

Gene: NGLY1 (N-glycanase 1; minus strand). Cytogenetic location: 3p24.2.
Variant type: single nucleotide variant.
Coding change: c.1235A>T on transcript NM_018297.4 (MANE Select); coding-DNA position 1235, A replaced by T.
Protein change: p.Asp412Val; replaces aspartic acid 412 with valine.
Molecular consequence: missense variant.
Genome position (GRCh38, 1-based): chr3:25,733,897, T>A on the plus strand (A>T on the coding strand, the complement: NGLY1 is on the minus strand). VCF-style: chr3-25733897-T-A. GRCh37 (hg19) VCF-style: chr3-25775388-T-A.
Other names: c.1181A>T, p.Asp394Val (NM_001145293.2); c.1109A>T, p.Asp370Val (NM_001145294.2); c.1235A>T, p.Asp412Val (NM_001145295.2); short protein forms D370V, D412V, D394V.
Identifiers: ClinVar variation 572271 (VCV000572271.14), dbSNP rs778513258, ClinGen allele CA2289222.

ClinVar aggregate classification (germline): Uncertain significance. Review status: criteria provided, multiple submitters, no conflicts (2 of 4 stars). 4 submissions from 4 submitters: Uncertain significance (4). Last evaluated 2024-11-09.

Conditions:
Inborn genetic diseases. Identifiers: MedGen C0950123, MeSH D030342.
Congenital disorder of deglycosylation (CDDG). Identifiers: MedGen C3808991, MONDO:0031376.

Allele frequency attached by ClinVar (database versions not stated): ExAC 0.00001; gnomAD exomes 0.00002 and 0.00025; gnomAD 0.00005; TOPMed 0.00006.
gnomAD v4.1: 361 of 1,613,580 alleles (0.022%); highest among the groups gnomAD compares: Non-Finnish European, 0.03%; no homozygotes.

Submissions (4):

Ambry Genetics
Classification: Uncertain significance for Inborn genetic diseases. Last evaluated: 2024-11-09. Review status: criteria provided, single submitter. Criteria: Ambry Variant Classification Scheme 2023. Collection method: clinical testing. Allele origin: germline.

Labcorp Genetics (formerly Invitae), Labcorp
Classification: Uncertain significance for Congenital disorder of deglycosylation. Last evaluated: 2024-05-21. Review status: criteria provided, single submitter. Criteria: Invitae Variant Classification Sherloc (09022015). Collection method: clinical testing. Allele origin: germline.
Comment: This sequence change replaces aspartic acid, which is acidic and polar, with valine, which is neutral and non-polar, at codon 412 of the NGLY1 protein (p.Asp412Val). This variant is present in population databases (rs778513258, gnomAD 0.005%). This variant has not been reported in the literature in individuals affected with NGLY1-related conditions. ClinVar contains an entry for this variant (Variation ID: 572271). Advanced modeling of protein sequence and biophysical properties (such as structural, functional, and spatial information, amino acid conservation, physicochemical variation, residue mobility, and thermodynamic stability) performed at Invitae indicates that this missense variant is not expected to disrupt NGLY1 protein function with a negative predictive value of 80%. In summary, the available evidence is currently insufficient to determine the role of this variant in disease. Therefore, it has been classified as a Variant of Uncertain Significance.

Mayo Clinic Laboratories, Mayo Clinic
Classification: Uncertain significance. Last evaluated: 2019-11-19. Review status: criteria provided, single submitter. Criteria: ACMG Guidelines, 2015. Collection method: clinical testing. Allele origin: germline. Observed: 1 variant allele.

GeneDx
Classification: Uncertain significance. Last evaluated: 2019-08-27. Review status: criteria provided, single submitter. Criteria: GeneDx Variant Classification Process June 2021. Collection method: clinical testing. Allele origin: germline. Affected: yes.
Comment: Not observed at a significant frequency in large population cohorts (Lek et al., 2016); In silico analysis, which includes protein predictors and evolutionary conservation, supports a deleterious effect; Has not been previously published as pathogenic or benign to our knowledge